The following is an entry in ClinVar:

NM_000059.4(BRCA2):c.174del (p.Glu58fs)

Gene: BRCA2 (BRCA2 DNA repair associated; plus strand). Cytogenetic location: 13q13.1.
Variant type: Deletion.
Coding change: c.174del on transcript NM_000059.4 (MANE Select); coding-DNA position 174, one base deleted (A; older notation c.174delA).
Protein change: p.Glu58fs; shifts the reading frame from glutamic acid 58.
Molecular consequence: frameshift variant. On other transcripts: 5 prime UTR variant (1), non-coding transcript variant (1).
Genome position (GRCh38, 1-based): chr13:32,319,183, A deleted; the last of 2 consecutive A bases (chr13:32,319,182-32,319,183); deleting either gives the same sequence. VCF-style (leftmost placement, unchanged base first): chr13-32319181-GA-G. GRCh37 (hg19) VCF-style: chr13-32893318-GA-G.
Other names: c.174del, p.Glu58fs (NM_001406719.1, NM_001406720.1, NM_001406721.1 and 1 more transcripts); c.-196del (NM_001406722.1); short protein forms E58fs.
Identifiers: ClinVar variation 3379236 (VCV003379236.1).

ClinVar aggregate classification (germline): Pathogenic (1 of 4 stars; one submission).

Conditions:
Breast-ovarian cancer, familial, susceptibility to, 2 (BROVCA2). Also called: BRCA2 Hereditary Breast and Ovarian Cancer. Identifiers: Orphanet 145, MedGen C2675520, MONDO:0012933, OMIM 612555. Disease mechanism: loss of function.

Submission:

Myriad Genetics, Inc.
Classification: Pathogenic for Breast-ovarian cancer, familial, susceptibility to, 2. Last evaluated: 2024-07-03. Review status: criteria provided, single submitter. Criteria: Myriad Autosomal Dominant, Autosomal Recessive and X-Linked Classification Criteria (2023). Collection method: clinical testing. Allele origin: unknown.
Comment: This variant is considered pathogenic. This variant creates a frameshift predicted to result in premature protein truncation.